The following is an entry in ClinVar:

ClinVar aggregate classification (germline): Conflicting classifications of pathogenicity. Review status: criteria provided, conflicting classifications (1 of 4 stars). 7 submissions from 7 submitters: Uncertain significance (4); Likely benign (3). Last evaluated 2026-09-12.

Conditions:
PALB2-related disorder. Also called: PALB2-related disorders; PALB2-related condition.
Hereditary cancer-predisposing syndrome. Also called: Hereditary Cancer Syndrome; Tumor predisposition; Hereditary neoplastic syndrome; Neoplastic Syndromes, Hereditary. Identifiers: Orphanet 140162, MedGen C0027672, MeSH D009386, MONDO:0015356.
Breast-ovarian cancer, familial, susceptibility to, 5 (BROVCA5). Identifiers: MedGen C5830615, MONDO:0957530, OMIM 620442.
Fanconi anemia complementation group N. Also called: PALB2-Related Fanconi Anemia. Identifiers: Orphanet 84, MedGen C1835817, MONDO:0012565, OMIM 610832. Disease mechanism: loss of function.
Pancreatic cancer, susceptibility to, 3. Identifiers: Orphanet 1333, MedGen C3150547, MONDO:0013236, OMIM 613348.
Familial cancer of breast. Also called: hereditary breast carcinoma; BREAST CANCER, FAMILIAL; Hereditary breast cancer. Identifiers: Orphanet 227535, MedGen C0346153, MONDO:0016419, OMIM 114480. Disease mechanism: loss of function.

Allele frequency attached by ClinVar (database versions not stated): gnomAD 0.00001.
gnomAD v4.1: 2 of 1,613,878 alleles (0.00012%); no homozygotes.

Submissions (7):

PreventionGenetics, part of Exact Sciences
Classification: Uncertain significance for PALB2-related condition. Last evaluated: 2026-09-12. Review status: criteria provided, single submitter. Criteria: ACMG Guidelines, 2015. Collection method: clinical testing. Allele origin: germline.
Comment: The PALB2 c.2167A>T variant is predicted to result in the amino acid substitution p.Met723Leu. It has been reported in breast cancer cohort studies (Supplement, Decker et al. 2017. PubMed ID: 28779002; Figure 3, Ducy et al. 2019. PubMed ID: 30638972). This variant has not been reported in a large population database (gnomAD), indicating this variant is rare. This variant has conflicting classifications in ClinVar, ranging from uncertain significance to likely benign (Variation ID: 233328). At this time, the clinical significance of this variant is uncertain due to the absence of conclusive functional and genetic evidence.

Myriad Genetics, Inc.
Classification: Likely benign for Familial cancer of breast. Last evaluated: 2026-09-04. Review status: criteria provided, single submitter. Criteria: Myriad Autosomal Dominant, Autosomal Recessive and X-Linked Classification Criteria (2023). Collection method: clinical testing. Allele origin: unknown.
Comment: This variant is considered likely benign. This variant is strongly associated with less severe personal and family histories of cancer, typical for individuals without pathogenic variants in this gene [PMID: 25085752].

Labcorp Genetics (formerly Invitae), Labcorp
Classification: Uncertain significance for Familial cancer of breast. Last evaluated: 2025-12-22. Review status: criteria provided, single submitter. Criteria: Invitae Variant Classification Sherloc (09022015). Collection method: clinical testing. Allele origin: germline.
Comment: This sequence change replaces methionine, which is neutral and non-polar, with leucine, which is neutral and non-polar, at codon 723 of the PALB2 protein (p.Met723Leu). This variant is not present in population databases (gnomAD no frequency). This missense change has been observed in individual(s) with breast cancer (PMID: 30638972). ClinVar contains an entry for this variant (Variation ID: 233328). Invitae Evidence Modeling of protein sequence and biophysical properties (such as structural, functional, and spatial information, amino acid conservation, physicochemical variation, residue mobility, and thermodynamic stability) indicates that this missense variant is not expected to disrupt PALB2 protein function with a negative predictive value of 80%. In summary, the available evidence is currently insufficient to determine the role of this variant in disease. Therefore, it has been classified as a Variant of Uncertain Significance.

GeneDx
Classification: Uncertain significance. Last evaluated: 2024-09-23. Review status: criteria provided, single submitter. Criteria: GeneDx Variant Classification Process June 2021. Collection method: clinical testing. Allele origin: germline.
Comment: Not observed at significant frequency in large population cohorts (gnomAD); In silico analysis indicates that this missense variant does not alter protein structure/function; This variant is associated with the following publications: (PMID: 28779002, 37651980, 22941656, 30638972)

Fulgent Genetics
Classification: Uncertain significance for Fanconi anemia complementation group N; Pancreatic cancer, susceptibility to, 3; Breast-ovarian cancer, familial, susceptibility to, 5. Last evaluated: 2024-03-07. Review status: criteria provided, single submitter. Criteria: ACMG Guidelines, 2015. Collection method: clinical testing. Allele origin: germline.

Ambry Genetics
Classification: Likely benign for Hereditary cancer-predisposing syndrome. Last evaluated: 2018-10-15. Review status: criteria provided, single submitter. Criteria: Ambry Variant Classification Scheme 2023. Collection method: clinical testing. Allele origin: germline.

Color Diagnostics, LLC DBA Color Health
Classification: Likely benign for Hereditary cancer-predisposing syndrome. Last evaluated: 2016-07-23. Review status: criteria provided, single submitter. Criteria: ACMG Guidelines, 2015. Collection method: clinical testing. Allele origin: germline.

Literature cited by the submitters: PubMed 25085752 (cited by Myriad Genetics, Inc.); PubMed 30638972 (cited by Labcorp Genetics (formerly Invitae), Labcorp).

NM_024675.4(PALB2):c.2167A>T (p.Met723Leu)

Gene: PALB2 (partner and localizer of BRCA2; minus strand). Cytogenetic location: 16p12.2.
Variant type: single nucleotide variant.
Coding change: c.2167A>T on transcript NM_024675.4 (MANE Select); coding-DNA position 2167, A replaced by T.
Protein change: p.Met723Leu; replaces methionine 723 with leucine.
Molecular consequence: missense variant.
Genome position (GRCh38, 1-based): chr16:23,629,987, T>A on the plus strand (A>T on the coding strand, the complement: PALB2 is on the minus strand). VCF-style: chr16-23629987-T-A. GRCh37 (hg19) VCF-style: chr16-23641308-T-A.
Other names: short protein forms M723L.
Identifiers: ClinVar variation 233328 (VCV000233328.21), dbSNP rs876660336, ClinGen allele CA10579981.